The following is an entry in ClinVar:

NM_015046.7(SETX):c.396A>G (p.Leu132=)

Gene: SETX (senataxin; minus strand). Cytogenetic location: 9q34.13.
Variant type: single nucleotide variant.
Coding change: c.396A>G on transcript NM_015046.7 (MANE Select); coding-DNA position 396, A replaced by G.
Protein change: p.Leu132=; no amino-acid change (leucine 132 retained).
Molecular consequence: synonymous variant.
Genome position (GRCh38, 1-based): chr9:132,342,792, T>C on the plus strand (A>G on the coding strand, the complement: SETX is on the minus strand). VCF-style: chr9-132342792-T-C. GRCh37 (hg19) VCF-style: chr9-135218179-T-C.
Other names: c.396A>G (NM_015046.5); c.396A>G, p.Leu132= (NM_001351527.2, NM_001351528.2).
Identifiers: ClinVar variation 1583049 (VCV001583049.11), dbSNP rs375232867, ClinGen allele CA5298046.

ClinVar aggregate classification (germline): Likely benign. Review status: criteria provided, multiple submitters, no conflicts (2 of 4 stars). 4 submissions from 4 submitters: Likely benign (4). Last evaluated 2025-06-13.

Conditions:
SETX-related disorder. Also called: SETX-related condition; SETX-related disorders. Identifiers: MedGen CN239403.
Amyotrophic lateral sclerosis type 4 (ALS4). Also called: AMYOTROPHIC LATERAL SCLEROSIS 4, JUVENILE; NEURONOPATHY, DISTAL HEREDITARY MOTOR, WITH PYRAMIDAL FEATURES. Identifiers: Orphanet 357043, MedGen C1865409, MONDO:0011223, OMIM 602433.
Spinocerebellar ataxia, autosomal recessive, with axonal neuropathy 2 (SCAN2). Also called: Ataxia-ocular apraxia-2; Ataxia with Oculomotor Apraxia; ATAXIA-OCULOMOTOR APRAXIA 2; Ataxia with Oculomotor Apraxia Type 2. Identifiers: Orphanet 64753, MedGen C1853761, MONDO:0018996, OMIM 606002.

Allele frequency attached by ClinVar (database versions not stated): gnomAD 0.00001; ExAC 0.00002; gnomAD exomes 0.00003 and 0.00004; TOPMed 0.00003; ESP Exome Variant Server 0.00015.
gnomAD v4.1: 59 of 1,612,274 alleles (0.0037%); highest among the groups gnomAD compares: Non-Finnish European, 0.0048%; no homozygotes.

Submissions (4):

PreventionGenetics, part of Exact Sciences
Classification: Likely benign for SETX-related condition. Last evaluated: 2025-06-13. Review status: criteria provided, single submitter. Criteria: ACMG Guidelines, 2015. Collection method: clinical testing. Allele origin: germline.
Comment: This variant is classified as likely benign based on ACMG/AMP sequence variant interpretation guidelines (Richards et al. 2015 PMID: 25741868, with internal and published modifications).

Athena Diagnostics
Classification: Likely benign. Last evaluated: 2025-02-21. Review status: criteria provided, single submitter. Criteria: Athena Diagnostics Criteria. Collection method: clinical testing. Allele origin: unknown.
Comment: Computational tools yielded predictions that this variant is unlikely to have an effect on normal RNA splicing. This nucleotide position exhibits low evolutionary conservation.

Labcorp Genetics (formerly Invitae), Labcorp
Classification: Likely benign for Amyotrophic lateral sclerosis type 4; Spinocerebellar ataxia, autosomal recessive, with axonal neuropathy 2. Last evaluated: 2025-01-29. Review status: criteria provided, single submitter. Criteria: Invitae Variant Classification Sherloc (09022015). Collection method: clinical testing. Allele origin: germline.

Blueprint Genetics
Classification: Likely benign. Last evaluated: 2024-01-08. Review status: criteria provided, single submitter. Criteria: ACMG Guidelines, 2015. Collection method: clinical testing. Allele origin: germline.